The following is an entry in ClinVar:

ClinVar aggregate classification (germline): Uncertain significance (1 of 4 stars; one submission).

Conditions:
Hereditary cancer-predisposing syndrome. Also called: Tumor predisposition; Neoplastic Syndromes, Hereditary; Hereditary neoplastic syndrome; Hereditary Cancer Syndrome. Identifiers: Orphanet 140162, MedGen C0027672, MeSH D009386, MONDO:0015356.

Submission:

Color Diagnostics, LLC DBA Color Health
Classification: Uncertain significance for Hereditary cancer-predisposing syndrome. Last evaluated: 2023-12-05. Review status: criteria provided, single submitter. Criteria: ACMG Guidelines, 2015. Collection method: clinical testing. Allele origin: germline.
Comment: This missense variant replaces glycine with valine at codon 304 of the RAD51D protein. Computational prediction suggests that this variant may not impact protein structure and function (internally defined REVEL score threshold <= 0.5, PMID: 27666373). To our knowledge, functional studies have not been reported for this variant. This variant has not been reported in individuals affected with RAD51D-related disorders in the literature. This variant has not been identified in the general population by the Genome Aggregation Database (gnomAD). The available evidence is insufficient to determine the role of this variant in disease conclusively. Therefore, this variant is classified as a Variant of Uncertain Significance.

NM_002878.4(RAD51D):c.911G>T (p.Gly304Val)

Genes: RAD51D (RAD51 paralog D; minus strand), RAD51L3-RFFL (RAD51L3-RFFL readthrough; minus strand). Cytogenetic location: 17q12.
Variant type: single nucleotide variant.
Coding change: c.911G>T on transcript NM_002878.4 (MANE Select); coding-DNA position 911, G replaced by T.
Protein change: p.Gly304Val; replaces glycine 304 with valine.
Molecular consequence: missense variant. On other transcripts: non-coding transcript variant (2).
Genome position (GRCh38, 1-based): chr17:35,101,029, C>A on the plus strand (G>T on the coding strand, the complement: RAD51D is on the minus strand). VCF-style: chr17-35101029-C-A. GRCh37 (hg19) VCF-style: chr17-33428048-C-A.
Other names: c.971G>T, p.Gly324Val (NM_001142571.2); c.575G>T, p.Gly192Val (NM_133629.3); short protein forms G304V, G192V, G324V.
Identifiers: ClinVar variation 630954 (VCV000630954.5), dbSNP rs200615280, ClinGen allele CA399086179.
Genomic context (GRCh38, chr17:35,101,029, plus strand): 5'-TGTAATGTGGCACTCTGCTCTGAGGTCCCCCAGGTCCCAATGTCTACCATCTCCTGGAAA[C>A]CTGTTGGCTGGAAGAAGAAGTAAGGAGTCAGTGGAGTTAAGCAACCCAAGTGGGTAGCTT-3'
Protein context (NP_002869.3, residues 294-314): CLAKSSRQPT[Gly304Val]FQEMVDIGTW